The following is an entry in ClinVar:

ClinVar aggregate classification (germline): Likely pathogenic (1 of 4 stars; one submission).

Conditions:
Diencephalic-mesencephalic junction dysplasia syndrome 1 (DMJDS1). Also called: Microcephaly with spastic quadriplegia. Identifiers: MedGen C4538630, MONDO:0009625, OMIM 251280.

gnomAD v4.1: 1 of 1,614,082 alleles (0.000062%); highest among the groups gnomAD compares: African/African-American, 0.0013%; no homozygotes.

Submission:

Juno Genomics, Hangzhou Juno Genomics, Inc
Classification: Likely pathogenic for Diencephalic-mesencephalic junction dysplasia syndrome 1. Review status: criteria provided, single submitter. Criteria: ACMG Guidelines, 2015. Collection method: clinical testing. Allele origin: germline.
Comment: Absent from controls (or at extremely low frequency if recessive) in Genome Aggregation Database.;Null variant in a gene where loss of function (LOF) is a known mechanism of disease.

NM_016580.4(PCDH12):c.2701C>T (p.Gln901Ter)

Genes: PCDH12 (protocadherin 12; minus strand), RNF14 (ring finger protein 14; plus strand). Cytogenetic location: 5q31.3.
Variant type: single nucleotide variant.
Coding change: c.2701C>T on transcript NM_016580.4 (MANE Select); coding-DNA position 2701, C replaced by T.
Protein change: p.Gln901Ter; replaces glutamine 901 with a stop codon.
Molecular consequence: nonsense.
Genome position (GRCh38, 1-based): chr5:141,955,151, G>A on the plus strand (C>T on the coding strand, the complement: PCDH12 is on the minus strand). VCF-style: chr5-141955151-G-A. GRCh37 (hg19) VCF-style: chr5-141334716-G-A.
Other names: short protein forms Q901*.
Identifiers: ClinVar variation 5019611 (VCV005019611.2).